The following is an entry in ClinVar:

ClinVar aggregate classification (germline): Likely pathogenic (1 of 4 stars; one submission).

Conditions:
Congenital neutropenia-myelofibrosis-nephromegaly syndrome. Also called: Severe congenital neutropenia 5, autosomal recessive. Identifiers: Orphanet 369852, MedGen C3809031, MONDO:0014118, OMIM 615285.

Submission:

Natera, Inc.
Classification: Likely pathogenic for Autosomal recessive severe congenital neutropenia 5. Last evaluated: 2024-09-30. Review status: criteria provided, single submitter. Criteria: Natera Variant Classification Schema (03/2026). Collection method: clinical testing. Allele origin: germline.
Comment: The c.390_403delinsG variant in VPS45 is a frameshift variant predicted to shift the reading frame beginning at codon 130 and leads to a stop codon 36 codons downstream. This variant is expected to result in nonsense mediated decay, truncation, or a dysfunctional protein product. This variant is rare in the general population with a frequency below the threshold expected for the associated phenotype(s). Given the available evidence, this variant is classified as Likely Pathogenic.

NM_007259.5(VPS45):c.390_403delinsG (p.Ile130fs)

Gene: VPS45 (vacuolar protein sorting 45 homolog; plus strand). Cytogenetic location: 1q21.2.
Variant type: Indel.
Coding change: c.390_403delinsG on transcript NM_007259.5 (MANE Select); coding-DNA positions 390 to 403, TGCTGTGAACCCAC replaced by G.
Protein change: p.Ile130fs; shifts the reading frame from isoleucine 130.
Molecular consequence: frameshift variant. On other transcripts: intron variant (1).
Genome position (GRCh38, 1-based): chr1:150,076,936-150,076,949, TGCTGTGAACCCAC replaced by G. VCF-style: chr1-150076936-TGCTGTGAACCCAC-G. GRCh37 (hg19) VCF-style: chr1-150049014-TGCTGTGAACCCAC-G.
Other names: c.282_295delinsG, p.Ile94fs (NM_001279354.2); c.261+624_261+637delinsG (NM_001279353.2); short protein forms I130fs, I94fs.
Identifiers: ClinVar variation 4815530 (VCV004815530.1).
Genomic context (GRCh38, chr1:150,076,936, plus strand): 5'-GAAGTTTATGGAATGACTATTCTTGGTGCTTTATTTGCAGGAATTTTATGGTGATTACAT[TGCTGTGAACCCAC>G]ATTTGTTTTCCCTCAATATTTTGGGTTGCTGCCAGGTATGGAAGGAAAGGTTTAATTTAT-3'